The following is an entry in ClinVar:

NM_000213.5(ITGB4):c.4797C>T (p.Arg1599=)

Genes: GALK1 (galactokinase 1; minus strand), ITGB4 (integrin subunit beta 4; plus strand). Cytogenetic location: 17q25.1.
Variant type: single nucleotide variant.
Coding change: c.4797C>T on transcript NM_000213.5 (MANE Select); coding-DNA position 4797, C replaced by T.
Protein change: p.Arg1599=; no amino-acid change (arginine 1599 retained).
Molecular consequence: synonymous variant. On other transcripts: intron variant (1).
Genome position (GRCh38, 1-based): chr17:75,756,517, C>T. VCF-style: chr17-75756517-C-T. GRCh37 (hg19) VCF-style: chr17-73752598-C-T.
Other names: c.4746C>T, p.Arg1582= (NM_001005619.2); c.4587C>T, p.Arg1529= (NM_001005731.3, NM_001321123.2); c.4437C>T, p.Arg1479= (NM_001438834.1); c.*22+1517G>A (NM_001381985.1).
Identifiers: ClinVar variation 2895710 (VCV002895710.4), dbSNP rs530315339, ClinGen allele CA8770323.

ClinVar aggregate classification (germline): Likely benign. Review status: criteria provided, multiple submitters, no conflicts (2 of 4 stars). 2 submissions from 2 submitters: Likely benign (2). Last evaluated 2025-12-14.

Conditions:
ITGB4-related disorder. Also called: ITGB4-related condition.

Allele frequency attached by ClinVar (database versions not stated): gnomAD 0.00007; ExAC 0.00006; TOPMed 0.00008.
gnomAD v4.1: 98 of 1,613,226 alleles (0.0061%); highest among the groups gnomAD compares: South Asian, 0.021%; no homozygotes.

Submissions (2):

Labcorp Genetics (formerly Invitae), Labcorp
Classification: Likely benign. Last evaluated: 2025-12-14. Review status: criteria provided, single submitter. Criteria: Invitae Variant Classification Sherloc (09022015). Collection method: clinical testing. Allele origin: germline.

PreventionGenetics, part of Exact Sciences
Classification: Likely benign for ITGB4-related condition. Last evaluated: 2025-10-20. Review status: criteria provided, single submitter. Criteria: ACMG Guidelines, 2015. Collection method: clinical testing. Allele origin: germline.
Comment: This variant is classified as likely benign based on ACMG/AMP sequence variant interpretation guidelines (Richards et al. 2015 PMID: 25741868, with internal and published modifications).